The following is an entry in ClinVar:

ClinVar aggregate classification (germline): Uncertain significance (1 of 4 stars; one submission).

Submission:

CeGaT Center for Human Genetics Tuebingen
Classification: Uncertain significance. Last evaluated: 2024-01-01. Review status: criteria provided, single submitter. Criteria: CeGaT Center For Human Genetics Tuebingen Variant Classification Criteria Version 2. Collection method: clinical testing. Allele origin: germline. Affected: yes. Observed: 1 variant allele.
Comment: VPS13A: PM2

NM_033305.3(VPS13A):c.6317A>G (p.His2106Arg)

Gene: VPS13A (vacuolar protein sorting 13 homolog A; plus strand). Cytogenetic location: 9q21.2.
Variant type: single nucleotide variant.
Coding change: c.6317A>G on transcript NM_033305.3 (MANE Select); coding-DNA position 6317, A replaced by G.
Protein change: p.His2106Arg; replaces histidine 2106 with arginine.
Molecular consequence: missense variant.
Genome position (GRCh38, 1-based): chr9:77,337,476, A>G. VCF-style: chr9-77337476-A-G. GRCh37 (hg19) VCF-style: chr9-79952392-A-G.
Other names: c.6200A>G, p.His2067Arg (NM_001018037.2); c.6317A>G, p.His2106Arg (NM_001018038.3, NM_015186.4); short protein forms H2067R, H2106R.
Identifiers: ClinVar variation 3026449 (VCV003026449.22), dbSNP rs2538066023, ClinGen allele CA373848669.